The following is an entry in ClinVar:

ClinVar aggregate classification (germline): Uncertain significance. Review status: criteria provided, multiple submitters, no conflicts (2 of 4 stars). 3 submissions from 3 submitters: Uncertain significance (2). 1 of the submissions does not count toward it. Last evaluated 2026-01-27.

Conditions:
MYO5B-related disorder. Also called: MYO5B-related condition.
Inborn genetic diseases. Identifiers: MedGen C0950123, MeSH D030342.

Allele frequency attached by ClinVar (database versions not stated): gnomAD exomes 0.00004 and 0.00010; ExAC 0.00014; 1000 Genomes Project 30x 0.00031; 1000 Genomes Project 0.00040; gnomAD 0.00042 and 0.00045; ESP Exome Variant Server 0.00049; TOPMed 0.00052.
gnomAD v4.1: 125 of 1,614,060 alleles (0.0077%); highest among the groups gnomAD compares: African/African-American, 0.16%; no homozygotes.

Submissions (3):

Labcorp Genetics (formerly Invitae), Labcorp
Classification: Uncertain significance. Last evaluated: 2026-01-27. Review status: criteria provided, single submitter. Criteria: Invitae Variant Classification Sherloc (09022015). Collection method: clinical testing. Allele origin: germline.
Comment: This sequence change replaces threonine, which is neutral and polar, with alanine, which is neutral and non-polar, at codon 603 of the MYO5B protein (p.Thr603Ala). This variant is present in population databases (rs201639239, gnomAD 0.1%). This variant has not been reported in the literature in individuals affected with MYO5B-related conditions. ClinVar contains an entry for this variant (Variation ID: 1384752). Invitae Evidence Modeling of protein sequence and biophysical properties (such as structural, functional, and spatial information, amino acid conservation, physicochemical variation, residue mobility, and thermodynamic stability) indicates that this missense variant is not expected to disrupt MYO5B protein function with a negative predictive value of 80%. In summary, the available evidence is currently insufficient to determine the role of this variant in disease. Therefore, it has been classified as a Variant of Uncertain Significance.

Ambry Genetics
Classification: Uncertain significance for Inborn genetic diseases. Last evaluated: 2024-10-19. Review status: criteria provided, single submitter. Criteria: Ambry Variant Classification Scheme 2023. Collection method: clinical testing. Allele origin: germline.

PreventionGenetics, part of Exact Sciences
Classification: Uncertain significance for MYO5B-related condition. Last evaluated: 2024-07-26. Review status: no assertion criteria provided. Collection method: clinical testing. Allele origin: germline. Not counted in ClinVar's aggregate classification.
Comment: The MYO5B c.1807A>G variant is predicted to result in the amino acid substitution p.Thr603Ala. To our knowledge, this variant has not been reported in the literature. This variant is reported in 0.14% of alleles in individuals of African descent in gnomAD, which may be too common to be a primary cause of disease. Although we suspect that this variant may be benign, at this time, the clinical significance of this variant is uncertain due to the absence of conclusive functional and genetic evidence.

NM_001080467.3(MYO5B):c.1807A>G (p.Thr603Ala)

Gene: MYO5B (myosin VB; minus strand). Cytogenetic location: 18q21.1.
Variant type: single nucleotide variant.
Coding change: c.1807A>G on transcript NM_001080467.3 (MANE Select); coding-DNA position 1807, A replaced by G.
Protein change: p.Thr603Ala; replaces threonine 603 with alanine.
Molecular consequence: missense variant.
Genome position (GRCh38, 1-based): chr18:49,937,343, T>C on the plus strand (A>G on the coding strand, the complement: MYO5B is on the minus strand). VCF-style: chr18-49937343-T-C. GRCh37 (hg19) VCF-style: chr18-47463713-T-C.
Other names: c.1807A>G (NM_001080467.2); short protein forms T603A.
Identifiers: ClinVar variation 1384752 (VCV001384752.12), dbSNP rs201639239, ClinGen allele CA8961366.